The following is an entry in ClinVar:

NM_153252.5(BRWD3):c.2325+3A>G

Gene: BRWD3 (bromodomain and WD repeat domain containing 3; minus strand). Cytogenetic location: Xq21.1.
Variant type: single nucleotide variant.
Coding change: c.2325+3A>G on transcript NM_153252.5 (MANE Select); 3 bases into the intron after coding-DNA position 2325, A replaced by G.
Molecular consequence: intron variant.
Genome position (GRCh38, 1-based): chrX:80,716,154, T>C on the plus strand (A>G on the coding strand, the complement: BRWD3 is on the minus strand). VCF-style: chrX-80716154-T-C. GRCh37 (hg19) VCF-style: chrX-79971653-T-C.
Identifiers: ClinVar variation 3689324 (VCV003689324.2).
Genomic context (GRCh38, chrX:80,716,154, plus strand): 5'-AAGCCTATTATCTACAAATATCTGCAAATAGTGTATCCCAAAGTATTGTAAAACTATACT[T>C]ACCCTTTGAGTAGTGTAAGATGGCTTTTTCTTCTTTTCAACTGTATAAAGACTGATTTCT-3'

ClinVar aggregate classification (germline): Uncertain significance (1 of 4 stars; one submission).

gnomAD v4.1: 6 of 1,180,992 alleles (0.00051%); highest among the groups gnomAD compares: African/African-American, 0.0053%; no homozygotes.

Submission:

Labcorp Genetics (formerly Invitae), Labcorp
Classification: Uncertain significance. Last evaluated: 2024-11-06. Review status: criteria provided, single submitter. Criteria: Invitae Variant Classification Sherloc (09022015). Collection method: clinical testing. Allele origin: germline.
Comment: This sequence change falls in intron 20 of the BRWD3 gene. It does not directly change the encoded amino acid sequence of the BRWD3 protein. It affects a nucleotide within the consensus splice site. This variant is not present in population databases (gnomAD no frequency). This variant has not been reported in the literature in individuals affected with BRWD3-related conditions. Variants that disrupt the consensus splice site are a relatively common cause of aberrant splicing (PMID: 17576681, 9536098). Algorithms developed to predict the effect of sequence changes on RNA splicing suggest that this variant is not likely to affect RNA splicing. In summary, the available evidence is currently insufficient to determine the role of this variant in disease. Therefore, it has been classified as a Variant of Uncertain Significance.

Literature cited by the submitters: PubMed 17576681; PubMed 9536098.